The following is an entry in ClinVar:

NM_001040436.3(YARS2):c.1354C>T (p.Gln452Ter)

Gene: YARS2 (tyrosyl-tRNA synthetase 2; minus strand). Cytogenetic location: 12p11.21.
Variant type: single nucleotide variant.
Coding change: c.1354C>T on transcript NM_001040436.3 (MANE Select); coding-DNA position 1354, C replaced by T.
Protein change: p.Gln452Ter; replaces glutamine 452 with a stop codon.
Molecular consequence: nonsense.
Genome position (GRCh38, 1-based): chr12:32,747,284, G>A on the plus strand (C>T on the coding strand, the complement: YARS2 is on the minus strand). VCF-style: chr12-32747284-G-A. GRCh37 (hg19) VCF-style: chr12-32900218-G-A.
Other names: short protein forms Q452*.
Identifiers: ClinVar variation 5019483 (VCV005019483.2).

ClinVar aggregate classification (germline): Uncertain significance (1 of 4 stars; one submission).

Conditions:
Myopathy, lactic acidosis, and sideroblastic anemia 2 (MLASA2). Identifiers: Orphanet 2598, MedGen C3150802, MONDO:0013307, OMIM 613561.

gnomAD v4.1: 4 of 1,613,808 alleles (0.00025%); highest among the groups gnomAD compares: East Asian, 0.0089%; no homozygotes.

Submission:

Juno Genomics, Hangzhou Juno Genomics, Inc
Classification: Uncertain significance for Myopathy, lactic acidosis, and sideroblastic anemia 2. Review status: criteria provided, single submitter. Criteria: ACMG Guidelines, 2015. Collection method: clinical testing. Allele origin: germline.
Comment: Absent from controls (or at extremely low frequency if recessive) in Genome Aggregation Database.;Null variant in a gene where loss of function (LOF) is a known mechanism of disease.